The following is an entry in ClinVar:

NM_001365088.1(SLC12A6):c.1444A>G (p.Thr482Ala)

Gene: SLC12A6 (solute carrier family 12 member 6; minus strand). Cytogenetic location: 15q14.
Variant type: single nucleotide variant.
Coding change: c.1444A>G on transcript NM_001365088.1 (MANE Select); coding-DNA position 1444, A replaced by G.
Protein change: p.Thr482Ala; replaces threonine 482 with alanine.
Molecular consequence: missense variant.
Genome position (GRCh38, 1-based): chr15:34,250,947, T>C on the plus strand (A>G on the coding strand, the complement: SLC12A6 is on the minus strand). VCF-style: chr15-34250947-T-C. GRCh37 (hg19) VCF-style: chr15-34543148-T-C.
Other names: p.Thr482Ala; c.1267A>G, p.Thr423Ala (NM_001042494.2, NM_001042495.2); c.1417A>G, p.Thr473Ala (NM_001042496.2); c.1399A>G, p.Thr467Ala (NM_001042497.2); c.1291A>G, p.Thr431Ala (NM_005135.2); c.1444A>G, p.Thr482Ala (NM_133647.2); short protein forms T423A, T467A, T473A, T482A, T431A.
Identifiers: ClinVar variation 4541916 (VCV004541916.1).

ClinVar aggregate classification (germline): Uncertain significance (1 of 4 stars; one submission).

Submission:

Mayo Clinic Laboratories, Mayo Clinic
Classification: Uncertain significance. Last evaluated: 2025-01-19. Review status: criteria provided, single submitter. Criteria: ACMG Guidelines, 2015. Collection method: clinical testing. Allele origin: germline. Observed: 1 variant allele.
Comment: PM2_supporting